The following is an entry in ClinVar:

ClinVar aggregate classification (germline): Uncertain significance. Review status: criteria provided, multiple submitters, no conflicts (2 of 4 stars). 2 submissions from 2 submitters: Uncertain significance (2). Last evaluated 2025-11-19.

Conditions:
Inborn genetic diseases. Identifiers: MedGen C0950123, MeSH D030342.

Allele frequency attached by ClinVar (database versions not stated): TOPMed 0.00001; gnomAD exomes 0.00002; 1000 Genomes Project 0.00020; gnomAD 0.00002; 1000 Genomes Project 30x 0.00016; ExAC 0.00001.
gnomAD v4.1: 33 of 1,614,208 alleles (0.002%); highest among the groups gnomAD compares: African/African-American, 0.0027%; no homozygotes.

Submissions (2):

Ambry Genetics
Classification: Uncertain significance for Inborn genetic diseases. Last evaluated: 2025-11-19. Review status: criteria provided, single submitter. Criteria: Ambry Variant Classification Scheme 2023. Collection method: clinical testing. Allele origin: germline.

Labcorp Genetics (formerly Invitae), Labcorp
Classification: Uncertain significance. Last evaluated: 2022-10-17. Review status: criteria provided, single submitter. Criteria: Invitae Variant Classification Sherloc (09022015). Collection method: clinical testing. Allele origin: germline.
Comment: This sequence change replaces lysine, which is basic and polar, with arginine, which is basic and polar, at codon 755 of the HPS5 protein (p.Lys755Arg). This variant is present in population databases (rs199752136, gnomAD 0.003%). This variant has not been reported in the literature in individuals affected with HPS5-related conditions. Algorithms developed to predict the effect of missense changes on protein structure and function output the following: SIFT: "Tolerated"; PolyPhen-2: "Benign"; Align-GVGD: "Class C0". The arginine amino acid residue is found in multiple mammalian species, which suggests that this missense change does not adversely affect protein function. In summary, the available evidence is currently insufficient to determine the role of this variant in disease. Therefore, it has been classified as a Variant of Uncertain Significance.

NM_181507.2(HPS5):c.2264A>G (p.Lys755Arg)

Gene: HPS5 (HPS5 biogenesis of lysosomal organelles complex 2 subunit 2; minus strand). Cytogenetic location: 11p15.1.
Variant type: single nucleotide variant.
Coding change: c.2264A>G on transcript NM_181507.2 (MANE Select); coding-DNA position 2264, A replaced by G.
Protein change: p.Lys755Arg; replaces lysine 755 with arginine.
Molecular consequence: missense variant.
Genome position (GRCh38, 1-based): chr11:18,291,618, T>C on the plus strand (A>G on the coding strand, the complement: HPS5 is on the minus strand). VCF-style: chr11-18291618-T-C. GRCh37 (hg19) VCF-style: chr11-18313165-T-C.
Other names: c.1922A>G, p.Lys641Arg (NM_181508.2, NM_007216.4); short protein forms K641R, K755R.
Identifiers: ClinVar variation 1920966 (VCV001920966.3), dbSNP rs199752136, ClinGen allele CA5909890.